The following is an entry in ClinVar:

ClinVar aggregate classification (germline): Likely benign. Review status: criteria provided, multiple submitters, no conflicts (2 of 4 stars). 4 submissions from 4 submitters: Likely benign (3). 1 of the submissions does not count toward it. Last evaluated 2025-12-31.

Conditions:
LAMA2-related disorder. Also called: LAMA2-related disorders; LAMA2-related condition.
LAMA2-related muscular dystrophy (LAMA2-RD). Also called: Laminin alpha 2-related dystrophy. Identifiers: MedGen C5679788, MONDO:0100228.

Allele frequency attached by ClinVar (database versions not stated): ESP Exome Variant Server 0.00008; ExAC 0.00012; TOPMed 0.00014; gnomAD 0.00016.
gnomAD v4.1: 66 of 1,613,770 alleles (0.0041%); highest among the groups gnomAD compares: African/African-American, 0.052%; no homozygotes.

Submissions (4):

Labcorp Genetics (formerly Invitae), Labcorp
Classification: Likely benign for LAMA2-related muscular dystrophy. Last evaluated: 2025-12-31. Review status: criteria provided, single submitter. Criteria: Invitae Variant Classification Sherloc (09022015). Collection method: clinical testing. Allele origin: germline.

Women's Health and Genetics/Laboratory Corporation of America, LabCorp
Classification: Likely benign. Last evaluated: 2025-12-29. Review status: criteria provided, single submitter. Criteria: LabCorp Variant Classification Summary - May 2015. Collection method: clinical testing. Allele origin: germline.

GeneDx
Classification: Likely benign. Last evaluated: 2016-07-07. Review status: criteria provided, single submitter. Criteria: GeneDx Variant Classification (06012015). Collection method: clinical testing. Allele origin: germline. Affected: yes.
Comment: This variant is considered likely benign or benign based on one or more of the following criteria: it is a conservative change, it occurs at a poorly conserved position in the protein, it is predicted to be benign by multiple in silico algorithms, and/or has population frequency not consistent with disease.

PreventionGenetics, part of Exact Sciences
Classification: Likely benign for LAMA2-related condition. Last evaluated: 2019-05-24. Review status: no assertion criteria provided. Collection method: clinical testing. Allele origin: germline. Not counted in ClinVar's aggregate classification.
Comment: This variant is classified as likely benign based on ACMG/AMP sequence variant interpretation guidelines (Richards et al. 2015 PMID: 25741868, with internal and published modifications).

NM_000426.4(LAMA2):c.408C>T (p.Ile136=)

Gene: LAMA2 (laminin subunit alpha 2; plus strand). Cytogenetic location: 6q22.33.
Variant type: single nucleotide variant.
Coding change: c.408C>T on transcript NM_000426.4 (MANE Select); coding-DNA position 408, C replaced by T.
Protein change: p.Ile136=; no amino-acid change (isoleucine 136 retained).
Molecular consequence: synonymous variant.
Genome position (GRCh38, 1-based): chr6:129,098,184, C>T. VCF-style: chr6-129098184-C-T. GRCh37 (hg19) VCF-style: chr6-129419329-C-T.
Other names: c.408C>T, p.Ile136= (NM_001079823.2).
Identifiers: ClinVar variation 387018 (VCV000387018.15), dbSNP rs145149634, ClinGen allele CA3992331.
Genomic context (GRCh38, chr6:129,098,184, plus strand): 5'-TGAGAATATTTGGGAATTCAATGTTATTGTTGTTGTTATACTTCCCTAGGTGTTCCAGAT[C>T]GCGTATGTGATTGTGAAGGCAGCTAACTCCCCCCGGCCTGGAAACTGGATTTTGGAACGC-3'
Protein context (NP_000417.3, residues 126-146): ITLDLQQVFQ[Ile136=]AYVIVKAANS